The following is an entry in ClinVar:

ClinVar aggregate classification (germline): Uncertain significance (1 of 4 stars; one submission).

Conditions:
Hereditary cancer-predisposing syndrome. Also called: Tumor predisposition; Hereditary neoplastic syndrome; Hereditary Cancer Syndrome; Neoplastic Syndromes, Hereditary. Identifiers: Orphanet 140162, MedGen C0027672, MeSH D009386, MONDO:0015356.

Submission:

Ambry Genetics
Classification: Uncertain significance for Hereditary cancer-predisposing syndrome. Last evaluated: 2025-06-08. Review status: criteria provided, single submitter. Criteria: Ambry Variant Classification Scheme 2023. Collection method: clinical testing. Allele origin: germline.
Comment: The p.L319P variant (also known as c.956T>C), located in coding exon 7 of the SMARCB1 gene, results from a T to C substitution at nucleotide position 956. The leucine at codon 319 is replaced by proline, an amino acid with similar properties. This amino acid position is conserved. In addition, this alteration is predicted to be deleterious by in silico analysis. Based on the available evidence, the clinical significance of this variant remains unclear.

NM_003073.5(SMARCB1):c.956T>C (p.Leu319Pro)

Gene: SMARCB1 (SWI/SNF related BAF chromatin remodeling complex subunit B1; plus strand). Cytogenetic location: 22q11.23.
Variant type: single nucleotide variant.
Coding change: c.956T>C on transcript NM_003073.5 (MANE Select); coding-DNA position 956, T replaced by C.
Protein change: p.Leu319Pro; replaces leucine 319 with proline.
Molecular consequence: missense variant.
Genome position (GRCh38, 1-based): chr22:23,825,385, T>C. VCF-style: chr22-23825385-T-C. GRCh37 (hg19) VCF-style: chr22-24167572-T-C.
Other names: c.929T>C, p.Leu310Pro (NM_001007468.3); c.983T>C, p.Leu328Pro (NM_001317946.2); c.1010T>C, p.Leu337Pro (NM_001362877.2); short protein forms L310P, L328P, L319P, L337P.
Identifiers: ClinVar variation 3958534 (VCV003958534.1).